The following is an entry in ClinVar:

ClinVar aggregate classification (germline): Likely benign. Review status: criteria provided, single submitter (1 of 4 stars). 2 submissions from 2 submitters: Likely benign (1). 1 of the submissions does not count toward it. Last evaluated 2025-03-13.

Conditions:
GREB1L-related disorder. Also called: GREB1L-related condition.

Allele frequency attached by ClinVar (database versions not stated): gnomAD 0.00001; TOPMed 0.00004.
gnomAD v4.1: 20 of 1,544,362 alleles (0.0013%); highest among the groups gnomAD compares: Admixed American, 0.035%; no homozygotes.

Submissions (2):

Labcorp Genetics (formerly Invitae), Labcorp
Classification: Likely benign. Last evaluated: 2025-03-13. Review status: criteria provided, single submitter. Criteria: Invitae Variant Classification Sherloc (09022015). Collection method: clinical testing. Allele origin: germline.

PreventionGenetics, part of Exact Sciences
Classification: Likely benign for GREB1L-related condition. Last evaluated: 2019-10-31. Review status: no assertion criteria provided. Collection method: clinical testing. Allele origin: germline. Not counted in ClinVar's aggregate classification.
Comment: This variant is classified as likely benign based on ACMG/AMP sequence variant interpretation guidelines (Richards et al. 2015 PMID: 25741868, with internal and published modifications).

NM_001142966.3(GREB1L):c.159T>C (p.Asp53=)

Genes: GREB1L (GREB1 like retinoic acid receptor coactivator; plus strand), GREB1L-AS1 (GREB1L antisense RNA 1; minus strand). Cytogenetic location: 18q11.1.
Variant type: single nucleotide variant.
Coding change: c.159T>C on transcript NM_001142966.3 (MANE Select); coding-DNA position 159, T replaced by C.
Protein change: p.Asp53=; no amino-acid change (aspartic acid 53 retained).
Molecular consequence: synonymous variant.
Genome position (GRCh38, 1-based): chr18:21,384,207, T>C. VCF-style: chr18-21384207-T-C. GRCh37 (hg19) VCF-style: chr18-18964168-T-C.
Other names: c.159T>C, p.Asp53= (NM_001410867.1, NM_001410868.1); c.159T>C (NM_001142966.1).
Identifiers: ClinVar variation 2040799 (VCV002040799.6), dbSNP rs747354969, ClinGen allele CA296880598.